The following is an entry in ClinVar:

NM_018993.4(RIN2):c.1819G>A (p.Val607Met)

Gene: RIN2 (Ras and Rab interactor 2; plus strand). Cytogenetic location: 20p11.23.
Variant type: single nucleotide variant.
Coding change: c.1819G>A on transcript NM_018993.4 (MANE Select); coding-DNA position 1819, G replaced by A.
Protein change: p.Val607Met; replaces valine 607 with methionine.
Molecular consequence: missense variant.
Genome position (GRCh38, 1-based): chr20:19,990,062, G>A. VCF-style: chr20-19990062-G-A. GRCh37 (hg19) VCF-style: chr20-19970706-G-A.
Other names: c.1966G>A, p.Val656Met (NM_001242581.2); c.1201G>A, p.Val401Met (NM_001378238.1); short protein forms V401M, V607M, V656M.
Identifiers: ClinVar variation 1207351 (VCV001207351.6), dbSNP rs575189955, ClinGen allele CA312429772.

ClinVar aggregate classification (germline): Uncertain significance. Review status: criteria provided, multiple submitters, no conflicts (2 of 4 stars). 2 submissions from 2 submitters: Uncertain significance (2). Last evaluated 2022-10-13.

gnomAD v4.1: 14 of 1,598,880 alleles (0.00088%); highest among the groups gnomAD compares: Non-Finnish European, 0.001%; no homozygotes.

Submissions (2):

Labcorp Genetics (formerly Invitae), Labcorp
Classification: Uncertain significance. Last evaluated: 2022-10-13. Review status: criteria provided, single submitter. Criteria: Invitae Variant Classification Sherloc (09022015). Collection method: clinical testing. Allele origin: germline.
Comment: The frequency data for this variant in the population databases is considered unreliable, as metrics indicate poor data quality at this position in the gnomAD database. In summary, the available evidence is currently insufficient to determine the role of this variant in disease. Therefore, it has been classified as a Variant of Uncertain Significance. Algorithms developed to predict the effect of missense changes on protein structure and function are either unavailable or do not agree on the potential impact of this missense change (SIFT: "Tolerated"; PolyPhen-2: "Not Available"; Align-GVGD: "Class C0"). ClinVar contains an entry for this variant (Variation ID: 1207351). This variant has not been reported in the literature in individuals affected with RIN2-related conditions. This sequence change replaces valine, which is neutral and non-polar, with methionine, which is neutral and non-polar, at codon 607 of the RIN2 protein (p.Val607Met).

GeneDx
Classification: Uncertain significance. Last evaluated: 2021-05-04. Review status: criteria provided, single submitter. Criteria: GeneDx Variant Classification Process June 2021. Collection method: clinical testing. Allele origin: germline. Affected: yes.
Comment: Not observed at a significant frequency in large population cohorts (Lek et al., 2016); In silico analysis supports that this missense variant does not alter protein structure/function; Has not been previously published as pathogenic or benign to our knowledge